The following is an entry in ClinVar:

NM_001174150.2(ARL13B):c.679C>T (p.Arg227Ter)

Gene: ARL13B (ARF like GTPase 13B; plus strand). Cytogenetic location: 3q11.2.
Variant type: single nucleotide variant.
Coding change: c.679C>T on transcript NM_001174150.2 (MANE Select); coding-DNA position 679, C replaced by T.
Protein change: p.Arg227Ter; replaces arginine 227 with a stop codon.
Molecular consequence: nonsense. On other transcripts: non-coding transcript variant (2).
Genome position (GRCh38, 1-based): chr3:94,036,744, C>T. VCF-style: chr3-94036744-C-T. GRCh37 (hg19) VCF-style: chr3-93755588-C-T.
Other names: c.370C>T, p.Arg124Ter (NM_001174151.2); c.634C>T, p.Arg212Ter (NM_001321328.2); c.679C>T, p.Arg227Ter (NM_001410782.1, NM_182896.3); c.358C>T, p.Arg120Ter (NM_144996.4); short protein forms R212*, R120*, R227*, R124*.
Identifiers: ClinVar variation 3672046 (VCV003672046.2).

ClinVar aggregate classification (germline): Pathogenic (1 of 4 stars; one submission).

Conditions:
Joubert syndrome 8 (JBTS8). Identifiers: Orphanet 475, MedGen C2676771, MONDO:0012855, OMIM 612291.

Submission:

Labcorp Genetics (formerly Invitae), Labcorp
Classification: Pathogenic for Joubert syndrome 8. Last evaluated: 2024-02-24. Review status: criteria provided, single submitter. Criteria: Invitae Variant Classification Sherloc (09022015). Collection method: clinical testing. Allele origin: germline.
Comment: This sequence change creates a premature translational stop signal (p.Arg227*) in the ARL13B gene. It is expected to result in an absent or disrupted protein product. Loss-of-function variants in ARL13B are known to be pathogenic (PMID: 18674751). This variant is present in population databases (rs765368269, gnomAD 0.007%). This variant has not been reported in the literature in individuals affected with ARL13B-related conditions. For these reasons, this variant has been classified as Pathogenic.

Literature cited by the submitters: PubMed 18674751.